The following is an entry in ClinVar:

NM_024513.4(FYCO1):c.1546C>T (p.Gln516Ter)

Gene: FYCO1 (FYVE and coiled-coil domain autophagy adaptor 1; minus strand). Cytogenetic location: 3p21.31.
Variant type: single nucleotide variant.
Coding change: c.1546C>T on transcript NM_024513.4 (MANE Select); coding-DNA position 1546, C replaced by T.
Protein change: p.Gln516Ter; replaces glutamine 516 with a stop codon.
Molecular consequence: nonsense.
Genome position (GRCh38, 1-based): chr3:45,967,788, G>A on the plus strand (C>T on the coding strand, the complement: FYCO1 is on the minus strand). VCF-style: chr3-45967788-G-A. GRCh37 (hg19) VCF-style: chr3-46009280-G-A.
Other names: short protein forms Q516*.
Identifiers: ClinVar variation 30650 (VCV000030650.2), dbSNP rs387906966, ClinGen allele CA214980.

ClinVar aggregate classification (germline): Pathogenic. Review status: criteria provided, single submitter (1 of 4 stars). 2 submissions from 2 submitters: Pathogenic (1). 1 of the submissions does not count toward it. Last evaluated 2025-07-31.

Conditions:
Cataract 18 (CATC2). Also called: CATARACT 18, AUTOSOMAL RECESSIVE. Identifiers: Orphanet 91492, Orphanet 98991, Orphanet 98992, Orphanet 98995, MedGen C1864908, MONDO:0012395, OMIM 610019.

Submissions (2):

First Genomix Gene Laboratory, Genetic Diagnostics Department
Classification: Pathogenic for Cataract 18. Last evaluated: 2025-07-31. Review status: criteria provided, single submitter. Criteria: ACMG Guidelines, 2015. Collection method: clinical testing. Allele origin: germline. Inheritance: Autosomal recessive inheritance. Affected: no. Observed: 1 variant allele.

OMIM
Classification: Pathogenic for CATARACT 18, AUTOSOMAL RECESSIVE. Last evaluated: 2011-06-10. Review status: no assertion criteria provided. Collection method: literature only. Allele origin: germline. Not counted in ClinVar's aggregate classification.

Literature cited by the submitters: PubMed 11519376 (cited by OMIM); PubMed 21636066 (cited by OMIM).